The following is an entry in ClinVar:

NM_000441.2(SLC26A4):c.600+2T>A

Gene: SLC26A4 (solute carrier family 26 member 4; plus strand). Cytogenetic location: 7q22.3.
Variant type: single nucleotide variant.
Coding change: c.600+2T>A on transcript NM_000441.2 (MANE Select); the canonical splice donor site of the intron after coding-DNA position 600, T replaced by A.
Molecular consequence: splice donor variant.
Genome position (GRCh38, 1-based): chr7:107,674,350, T>A. VCF-style: chr7-107674350-T-A. GRCh37 (hg19) VCF-style: chr7-107314795-T-A.
Identifiers: ClinVar variation 370937 (VCV000370937.12), dbSNP rs1057516881, ClinGen allele CA16041103.
Genomic context (GRCh38, chr7:107,674,350, plus strand): 5'-GAGATACAGCTAGAGTCCTGATTGCCAGTGCCCTGACTCTGCTGGTTGGAATTATACAGG[T>A]AATGAACTTACAAGTAAAATATAGATGGATGTAATTTTTATTTGAAATTAACTTTAAAGC-3'

ClinVar aggregate classification (germline): Pathogenic. Review status: criteria provided, multiple submitters, no conflicts (2 of 4 stars). 5 submissions from 5 submitters: Pathogenic (4). 1 of the submissions does not count toward it. Last evaluated 2024-03-15.

Conditions:
Autosomal recessive nonsyndromic hearing loss 4 (DFNB4). Also called: FOXI1-Related Pendred Syndrome; KCNJ10-Related Pendred Syndrome; DEAFNESS, AUTOSOMAL RECESSIVE 4, WITH ENLARGED VESTIBULAR AQUEDUCT, DIGENIC; Nonsyndromic enlarged vestibular aqueduct (NSEVA); Deafness, autosomal recessive 4, with enlarged vestibular aqueduct; Deafness, autosomal recessive 4. Identifiers: Orphanet 90636, MedGen C3538946, MONDO:0010933, OMIM 600791.
Pendred syndrome (PDS). Also called: Pendred's syndrome; Pendred Syndrome (PDS); GOITER-DEAFNESS SYNDROME; HYPOTHYROIDISM, CONGENITAL, DUE TO DYSHORMONOGENESIS, 2B; THYROID DYSHORMONOGENESIS 2B; THYROID HORMONOGENESIS, GENETIC DEFECT IN, 2B. Identifiers: Orphanet 705, MedGen C0271829, MONDO:0010134, OMIM 274600.

Submissions (5):

Natera, Inc.
Classification: Pathogenic for Pendred syndrome. Last evaluated: 2024-03-15. Review status: criteria provided, single submitter. Criteria: Natera Variant Classification Schema (03/2026). Collection method: clinical testing. Allele origin: germline.
Comment: The c.600+2T>A variant in SLC26A4 is a canonical splice donor site variant predicted to affect pre-mRNA splicing, which may result in an abnormal transcript and altered protein product. This variant is expected to result in nonsense mediated decay, truncation, or a dysfunctional protein product. This variant is rare in the general population with a frequency below the threshold expected for the associated phenotype(s). This variant has been observed in one or more individuals affected with the associated recessive disease, as either homozygous or compound heterozygous with a second variant (PMID: 23918157). Given the available evidence, this variant is classified as Pathogenic.

Labcorp Genetics (formerly Invitae), Labcorp
Classification: Pathogenic. Last evaluated: 2023-11-28. Review status: criteria provided, single submitter. Criteria: Invitae Variant Classification Sherloc (09022015). Collection method: clinical testing. Allele origin: germline.
Comment: This sequence change affects a donor splice site in intron 5 of the SLC26A4 gene. It is expected to disrupt RNA splicing. Variants that disrupt the donor or acceptor splice site typically lead to a loss of protein function (PMID: 16199547), and loss-of-function variants in SLC26A4 are known to be pathogenic (PMID: 16283880, 25394566, 26252218, 26445815). This variant is not present in population databases (gnomAD no frequency). Disruption of this splice site has been observed in individuals with clinical features of SLC26A4-related conditions (PMID: 23151025, 23918157, 25372295, 35816303). This variant is also known as 5+2T>A or IVS5+2T>A. ClinVar contains an entry for this variant (Variation ID: 370937). Algorithms developed to predict the effect of sequence changes on RNA splicing suggest that this variant may disrupt the consensus splice site. For these reasons, this variant has been classified as Pathogenic.

Baylor Genetics
Classification: Pathogenic for Autosomal recessive nonsyndromic hearing loss 4. Last evaluated: 2023-06-19. Review status: criteria provided, single submitter. Criteria: ACMG Guidelines, 2015. Collection method: clinical testing. Allele origin: unknown.

Juno Genomics, Hangzhou Juno Genomics, Inc
Classification: Pathogenic for Autosomal recessive nonsyndromic hearing loss 4; Pendred syndrome. Review status: criteria provided, single submitter. Criteria: ACMG Guidelines, 2015. Collection method: clinical testing. Allele origin: germline.
Comment: Absent from controls (or at extremely low frequency if recessive) in Genome Aggregation Database.;Null variant in a gene where loss of function (LOF) is a known mechanism of disease.;For recessive disorders, detected in trans with a pathogenic variant.;Patient's phenotype or family history is highly specific for a disease with a single genetic etiology.

Counsyl
Classification: Pathogenic for Pendred syndrome. Last evaluated: 2016-05-19. Review status: no assertion criteria provided. Collection method: clinical testing. Allele origin: unknown. Not counted in ClinVar's aggregate classification.

Literature cited by the submitters: PubMed 23918157 (cited by 3 submitters); PubMed 16199547 (cited by Labcorp Genetics (formerly Invitae), Labcorp); PubMed 16283880 (cited by Labcorp Genetics (formerly Invitae), Labcorp); PubMed 25394566 (cited by Labcorp Genetics (formerly Invitae), Labcorp); PubMed 26252218 (cited by Labcorp Genetics (formerly Invitae), Labcorp); PubMed 26445815 (cited by Labcorp Genetics (formerly Invitae), Labcorp); PubMed 23151025 (cited by Labcorp Genetics (formerly Invitae), Labcorp and Counsyl); PubMed 25372295 (cited by Labcorp Genetics (formerly Invitae), Labcorp and Counsyl); PubMed 35816303 (cited by Labcorp Genetics (formerly Invitae), Labcorp).